The following is an entry in ClinVar:

NM_003070.5(SMARCA2):c.669delinsACAGCAGCAGCAA (p.Gln238_Pro239insGlnGlnGlnGln)

Gene: SMARCA2 (SWI/SNF related BAF chromatin remodeling complex subunit ATPase 2; plus strand). Cytogenetic location: 9p24.3.
Variant type: Indel.
Coding change: c.669delinsACAGCAGCAGCAA on transcript NM_003070.5 (MANE Select); coding-DNA position 669, G replaced by ACAGCAGCAGCAA.
Protein change: p.Gln238_Pro239insGlnGlnGlnGln.
Molecular consequence: inframe insertion. On other transcripts: inframe indel (1).
Genome position (GRCh38, 1-based): chr9:2,039,779, G replaced by ACAGCAGCAGCAA. VCF-style: chr9-2039779-G-ACAGCAGCAGCAA. GRCh37 (hg19) VCF-style: chr9-2039779-G-ACAGCAGCAGCAA.
Other names: c.669delGinsACAGCAGCAGCAA, p.Gln238_Pro239insGlnGlnGlnGln (NM_001289396.2); c.669delinsACAGCAGCAGCAA, p.Gln238_Pro239insGlnGlnGlnGln (NM_001289397.2, NM_139045.4).
Identifiers: ClinVar variation 2502710 (VCV002502710.1), dbSNP rs2537219831, ClinGen allele CA2580616143.

ClinVar aggregate classification (germline): Uncertain significance (1 of 4 stars; one submission).

Submission:

GeneDx
Classification: Uncertain significance. Last evaluated: 2022-11-17. Review status: criteria provided, single submitter. Criteria: GeneDx Variant Classification Process June 2021. Collection method: clinical testing. Allele origin: germline. Affected: yes.
Comment: In-frame insertion of 4 amino acids in a repetitive region with no known function; Not observed at significant frequency in large population cohorts (gnomAD); Has not been previously published as pathogenic or benign to our knowledge